The following is an entry in ClinVar:

ClinVar aggregate classification (germline): Uncertain significance. Review status: criteria provided, multiple submitters, no conflicts (2 of 4 stars). 3 submissions from 3 submitters: Uncertain significance (3). Last evaluated 2025-09-26.

Conditions:
Age related macular degeneration 13. Identifiers: MedGen C3809523, MONDO:0014189, OMIM 615439.
Atypical hemolytic-uremic syndrome with I factor anomaly. Also called: AHUS, SUSCEPTIBILITY TO, 3; HEMOLYTIC UREMIC SYNDROME, ATYPICAL, SUSCEPTIBILITY TO, 3. Identifiers: Orphanet 2134, MedGen C2752039, MONDO:0013041, OMIM 612923.
Factor I deficiency (CFID). Also called: Complement factor I deficiency. Identifiers: Orphanet 200418, MedGen C3463916, MONDO:0012594, OMIM 610984.
Atypical hemolytic-uremic syndrome. Identifiers: Orphanet 2134, MedGen C2931788, MONDO:0016244.

Allele frequency attached by ClinVar (database versions not stated): ExAC 0.00002; gnomAD exomes 0.00002; TOPMed 0.00002; gnomAD 0.00003.

Submissions (3):

Genomenon, Inc
Classification: Uncertain significance for Atypical hemolytic-uremic syndrome. Last evaluated: 2025-09-26. Review status: criteria provided, single submitter. Criteria: Genomenon Sequence Variant Interpretation Standards - Updated. Collection method: curation. Allele origin: germline. Affected: yes.
Comment: CFI p.Arg389His (c.1166G>A) is a missense variant that changes the amino acid at residue 389 from Arginine to Histidine. This variant has been observed in at least one proband affected with atypical hemolytic-uremic syndrome (PMID:27268256). Functional studies have been reported; however, the significance of the findings remain unclear (PMID:32510551). It is absent or not present at a significant frequency in gnomAD. In silico models agree that this variant is not damaging. In conclusion, we classify CFI p.Arg389His (c.1166G>A) as a variant of unknown significance.

Labcorp Genetics (formerly Invitae), Labcorp
Classification: Uncertain significance. Last evaluated: 2025-06-23. Review status: criteria provided, single submitter. Criteria: Invitae Variant Classification Sherloc (09022015). Collection method: clinical testing. Allele origin: germline.
Comment: This sequence change replaces arginine, which is basic and polar, with histidine, which is basic and polar, at codon 389 of the CFI protein (p.Arg389His). This variant is present in population databases (rs777190530, gnomAD 0.04%). This missense change has been observed in individual(s) with age-related macular degeneration and/or atypical hemolytic uremic syndrome (PMID: 24036952, 27268256). ClinVar contains an entry for this variant (Variation ID: 2203559). Invitae Evidence Modeling of protein sequence and biophysical properties (such as structural, functional, and spatial information, amino acid conservation, physicochemical variation, residue mobility, and thermodynamic stability) indicates that this missense variant is not expected to disrupt CFI protein function with a negative predictive value of 80%. Experimental studies have shown that this missense change does not substantially affect CFI function (PMID: 32510551). In summary, the available evidence is currently insufficient to determine the role of this variant in disease. Therefore, it has been classified as a Variant of Uncertain Significance.

Fulgent Genetics
Classification: Uncertain significance for Factor I deficiency; Atypical hemolytic-uremic syndrome with I factor anomaly; Age related macular degeneration 13. Last evaluated: 2024-04-26. Review status: criteria provided, single submitter. Criteria: ACMG Guidelines, 2015. Collection method: clinical testing. Allele origin: germline.

Literature cited by the submitters: PubMed 27268256 (cited by Genomenon, Inc and Labcorp Genetics (formerly Invitae), Labcorp); 32510551 (cited by Genomenon, Inc); PubMed 24036952 (cited by Labcorp Genetics (formerly Invitae), Labcorp); PubMed 32510551 (cited by Labcorp Genetics (formerly Invitae), Labcorp).

NM_000204.5(CFI):c.1166G>A (p.Arg389His)

Gene: CFI (complement factor I; minus strand). Cytogenetic location: 4q25.
Variant type: single nucleotide variant.
Coding change: c.1166G>A on transcript NM_000204.5 (MANE Select); coding-DNA position 1166, G replaced by A.
Protein change: p.Arg389His; replaces arginine 389 with histidine.
Molecular consequence: missense variant. On other transcripts: non-coding transcript variant (2).
Genome position (GRCh38, 1-based): chr4:109,746,485, C>T on the plus strand (G>A on the coding strand, the complement: CFI is on the minus strand). VCF-style: chr4-109746485-C-T. GRCh37 (hg19) VCF-style: chr4-110667641-C-T.
Other names: c.1190G>A, p.Arg397His (NM_001318057.2, NM_001375278.1); c.1145G>A, p.Arg382His (NM_001331035.2, NM_001375280.1, NM_001375282.1); c.1166G>A, p.Arg389His (NM_001375279.1, NM_001375281.1); c.1109G>A, p.Arg370His (NM_001375283.1); c.557G>A, p.Arg186His (NM_001375284.1); short protein forms R382H, R397H, R370H, R389H, R186H.
Identifiers: ClinVar variation 2203559 (VCV002203559.6), dbSNP rs777190530, ClinGen allele CA3041984.